The following is an entry in ClinVar:

ClinVar aggregate classification (germline): Likely benign. Review status: criteria provided, multiple submitters, no conflicts (2 of 4 stars). 3 submissions from 3 submitters: Likely benign (2). 1 of the submissions does not count toward it. Last evaluated 2025-01-25.

Conditions:
LRP5-related disorder. Also called: LRP5-related condition.

Allele frequency attached by ClinVar (database versions not stated): ExAC 0.00001; gnomAD 0.00002 and 0.00003; TOPMed 0.00002.
gnomAD v4.1: 30 of 1,608,302 alleles (0.0019%); highest among the groups gnomAD compares: South Asian, 0.0077%; no homozygotes.

Submissions (3):

Labcorp Genetics (formerly Invitae), Labcorp
Classification: Likely benign. Last evaluated: 2025-01-25. Review status: criteria provided, single submitter. Criteria: Invitae Variant Classification Sherloc (09022015). Collection method: clinical testing. Allele origin: germline.

Blueprint Genetics
Classification: Likely benign. Last evaluated: 2024-11-27. Review status: criteria provided, single submitter. Criteria: ACMG Guidelines, 2015. Collection method: clinical testing. Allele origin: germline.

PreventionGenetics, part of Exact Sciences
Classification: Likely benign for LRP5-related condition. Last evaluated: 2024-04-15. Review status: no assertion criteria provided. Collection method: clinical testing. Allele origin: germline. Not counted in ClinVar's aggregate classification.
Comment: This variant is classified as likely benign based on ACMG/AMP sequence variant interpretation guidelines (Richards et al. 2015 PMID: 25741868, with internal and published modifications).

NM_002335.4(LRP5):c.4611G>A (p.Ala1537=)

Gene: LRP5 (LDL receptor related protein 5; plus strand). Cytogenetic location: 11q13.2.
Variant type: single nucleotide variant.
Coding change: c.4611G>A on transcript NM_002335.4 (MANE Select); coding-DNA position 4611, G replaced by A.
Protein change: p.Ala1537=; no amino-acid change (alanine 1537 retained).
Molecular consequence: synonymous variant.
Genome position (GRCh38, 1-based): chr11:68,448,833, G>A. VCF-style: chr11-68448833-G-A. GRCh37 (hg19) VCF-style: chr11-68216301-G-A.
Other names: c.4611G>A (NM_002335.3); c.2868G>A, p.Ala956= (NM_001291902.2).
Identifiers: ClinVar variation 1660653 (VCV001660653.10), dbSNP rs763403461, ClinGen allele CA6150464.
Genomic context (GRCh38, chr11:68,448,833, plus strand): 5'-TACCGAATCCCACTCCTCTGTGTGTGTCCCTTTCAGGCCCTACATCATTCGAGGAATGGC[G>A]CCCCCGACGACGCCCTGCAGCACCGACGTGTGTGACAGCGACTACAGCGCCAGCCGCTGG-3'
Protein context (NP_002326.2, residues 1527-1547): PYRPYIIRGM[Ala1537=]PPTTPCSTDV